The following is an entry in ClinVar:

ClinVar aggregate classification (germline): Uncertain significance (1 of 4 stars; one submission).

Submission:

Labcorp Genetics (formerly Invitae), Labcorp
Classification: Uncertain significance. Last evaluated: 2022-08-28. Review status: criteria provided, single submitter. Criteria: Invitae Variant Classification Sherloc (09022015). Collection method: clinical testing. Allele origin: germline.
Comment: This variant is not present in population databases (gnomAD no frequency). This sequence change replaces arginine, which is basic and polar, with glycine, which is neutral and non-polar, at codon 65 of the SPP2 protein (p.Arg65Gly). This variant has not been reported in the literature in individuals affected with SPP2-related conditions. In summary, the available evidence is currently insufficient to determine the role of this variant in disease. Therefore, it has been classified as a Variant of Uncertain Significance. Algorithms developed to predict the effect of missense changes on protein structure and function output the following: SIFT: "Tolerated"; PolyPhen-2: "Benign"; Align-GVGD: "Class C0". The glycine amino acid residue is found in multiple mammalian species, which suggests that this missense change does not adversely affect protein function.

NM_006944.3(SPP2):c.193A>G (p.Arg65Gly)

Gene: SPP2 (secreted phosphoprotein 2; plus strand). Cytogenetic location: 2q37.1.
Variant type: single nucleotide variant.
Coding change: c.193A>G on transcript NM_006944.3 (MANE Select); coding-DNA position 193, A replaced by G.
Protein change: p.Arg65Gly; replaces arginine 65 with glycine.
Molecular consequence: missense variant.
Genome position (GRCh38, 1-based): chr2:234,051,078, A>G. VCF-style: chr2-234051078-A-G. GRCh37 (hg19) VCF-style: chr2-234959722-A-G.
Other names: short protein forms R65G.
Identifiers: ClinVar variation 1718237 (VCV001718237.5), dbSNP rs2470230790, ClinGen allele CA351100076.